The following is an entry in ClinVar:

NM_001374736.1(DST):c.12871A>C (p.Lys4291Gln)

Gene: DST (dystonin; minus strand). Cytogenetic location: 6p12.1.
Variant type: single nucleotide variant.
Coding change: c.12871A>C on transcript NM_001374736.1 (MANE Select); coding-DNA position 12871, A replaced by C.
Protein change: p.Lys4291Gln; replaces lysine 4291 with glutamine.
Molecular consequence: missense variant.
Genome position (GRCh38, 1-based): chr6:56,592,214, T>G on the plus strand (A>C on the coding strand, the complement: DST is on the minus strand). VCF-style: chr6-56592214-T-G. GRCh37 (hg19) VCF-style: chr6-56457012-T-G.
Other names: c.6514A>C, p.Lys2172Gln (NM_001144769.5); c.6100A>C, p.Lys2034Gln (NM_001144770.2); c.12871A>C, p.Lys4291Gln (NM_001374722.1); c.12238A>C, p.Lys4080Gln (NM_001374729.1); c.5980A>C, p.Lys1994Gln (NM_001374730.1, NM_183380.4); c.12898A>C, p.Lys4300Gln (NM_001374734.1); c.5002A>C, p.Lys1668Gln (NM_015548.5); short protein forms K1668Q, K1994Q, K2172Q, K4080Q, K2034Q, K4300Q, K4291Q.
Identifiers: ClinVar variation 967108 (VCV000967108.5), dbSNP rs754447113, ClinGen allele CA3868370.

ClinVar aggregate classification (germline): Uncertain significance (1 of 4 stars; one submission).

Conditions:
Hereditary sensory and autonomic neuropathy type 6. Also called: Neuropathy, hereditary sensory and autonomic, type VI; HSAN VI. Identifiers: Orphanet 314381, MedGen C3539003, MONDO:0013839, OMIM 614653.
Epidermolysis bullosa simplex 3, localized or generalized intermediate, with BP230 deficiency (EBS3). Also called: Epidermolysis bullosa simplex, autosomal recessive 2; Epidermolysis bullosa simplex due to BP230 deficiency. Identifiers: Orphanet 412181, MedGen C3809470, MONDO:0014180, OMIM 615425.

Allele frequency attached by ClinVar (database versions not stated): gnomAD exomes 0.00002 and 0.00008; gnomAD 0.00003; TOPMed 0.00006; ExAC 0.00013.
gnomAD v4.1: 30 of 1,613,526 alleles (0.0019%); highest among the groups gnomAD compares: Admixed American, 0.04%; no homozygotes.

Submission:

Labcorp Genetics (formerly Invitae), Labcorp
Classification: Uncertain significance for Epidermolysis bullosa simplex 3, localized or generalized intermediate, with BP230 deficiency; Hereditary sensory and autonomic neuropathy type 6. Last evaluated: 2021-10-29. Review status: criteria provided, single submitter. Criteria: Invitae Variant Classification Sherloc (09022015). Collection method: clinical testing. Allele origin: germline.
Comment: The DST gene has multiple clinically relevant transcripts. This variant occurs in alternate transcript NM_015548.4, and corresponds to NM_001723.5:c.*23303A>C in the primary transcript. This sequence change replaces lysine, which is basic and polar, with glutamine, which is neutral and polar, at codon 1668 of the DST protein (p.Lys1668Gln). This variant is present in population databases (rs754447113, gnomAD 0.03%). This variant has not been reported in the literature in individuals affected with DST-related conditions. Algorithms developed to predict the effect of missense changes on protein structure and function output the following: SIFT: "Not Available"; PolyPhen-2: "Not Available"; Align-GVGD: "Not Available". The glutamine amino acid residue is found in multiple mammalian species, which suggests that this missense change does not adversely affect protein function. In summary, the available evidence is currently insufficient to determine the role of this variant in disease. Therefore, it has been classified as a Variant of Uncertain Significance.